The following is an entry in ClinVar:

ClinVar aggregate classification (germline): Likely benign. Review status: criteria provided, multiple submitters, no conflicts (2 of 4 stars). 4 submissions from 4 submitters: Likely benign (4). Last evaluated 2025-10-09.

Conditions:
Aortic aneurysm, familial thoracic 4 (AAT4). Also called: AORTIC ANEURYSM/AORTIC DISSECTION AND PATENT DUCTUS ARTERIOSUS. Identifiers: MedGen C1851504, MONDO:0007568, OMIM 132900.
Familial thoracic aortic aneurysm and aortic dissection (TAAD). Also called: Thoracic aortic aneurysms and dissections. Identifiers: Orphanet 91387, MedGen C4707243, MONDO:0019625.

Allele frequency attached by ClinVar (database versions not stated): gnomAD 0.00001; gnomAD exomes 0.00001 and 0.00003; ExAC 0.00005.

Submissions (4):

Labcorp Genetics (formerly Invitae), Labcorp
Classification: Likely benign for Aortic aneurysm, familial thoracic 4. Last evaluated: 2025-10-09. Review status: criteria provided, single submitter. Criteria: Invitae Variant Classification Sherloc (09022015). Collection method: clinical testing. Allele origin: germline.

Color Diagnostics, LLC DBA Color Health
Classification: Likely benign for Familial thoracic aortic aneurysm and aortic dissection. Last evaluated: 2019-08-14. Review status: criteria provided, single submitter. Criteria: ACMG Guidelines, 2015. Collection method: clinical testing. Allele origin: germline.

GeneDx
Classification: Likely benign. Last evaluated: 2018-02-28. Review status: criteria provided, single submitter. Criteria: GeneDx Variant Classification (06012015). Collection method: clinical testing. Allele origin: germline. Affected: yes.
Comment: This variant is considered likely benign or benign based on one or more of the following criteria: it is a conservative change, it occurs at a poorly conserved position in the protein, it is predicted to be benign by multiple in silico algorithms, and/or has population frequency not consistent with disease.

Ambry Genetics
Classification: Likely benign for Familial thoracic aortic aneurysm and aortic dissection. Last evaluated: 2017-03-23. Review status: criteria provided, single submitter. Criteria: Ambry Variant Classification Scheme 2023. Collection method: clinical testing. Allele origin: germline.

NM_002474.3(MYH11):c.1806C>T (p.Asn602=)

Gene: MYH11 (myosin heavy chain 11; minus strand). Cytogenetic location: 16p13.11.
Variant type: single nucleotide variant.
Coding change: c.1806C>T on transcript NM_002474.3 (MANE Select); coding-DNA position 1806, C replaced by T.
Protein change: p.Asn602=; no amino-acid change (asparagine 602 retained).
Molecular consequence: synonymous variant.
Genome position (GRCh38, 1-based): chr16:15,753,452, G>A on the plus strand (C>T on the coding strand, the complement: MYH11 is on the minus strand). VCF-style: chr16-15753452-G-A. GRCh37 (hg19) VCF-style: chr16-15847309-G-A.
Other names: c.1827C>T, p.Asn609= (NM_001040113.2, NM_001040114.2); c.1806C>T, p.Asn602= (NM_022844.3).
Identifiers: ClinVar variation 515820 (VCV000515820.15), dbSNP rs755086523, ClinGen allele CA7922508.